The following is an entry in ClinVar:

ClinVar aggregate classification (germline): Uncertain significance (0 of 4 stars; one submission).

Conditions:
ACTA1-related disorder. Also called: ACTA1-related condition.

Allele frequency attached by ClinVar (database versions not stated): gnomAD exomes 0.00001.
gnomAD v4.1: 10 of 1,596,244 alleles (0.00063%); highest among the groups gnomAD compares: Non-Finnish European, 0.00085%; no homozygotes.

Submission:

PreventionGenetics, part of Exact Sciences
Classification: Uncertain significance for ACTA1-related condition. Last evaluated: 2023-11-15. Review status: no assertion criteria provided. Collection method: clinical testing. Allele origin: germline.
Comment: The ACTA1 c.457A>C variant is predicted to result in the amino acid substitution p.Ile153Leu. To our knowledge, this variant has not been reported in the literature or in a large population database, indicating this variant is rare. At this time, the clinical significance of this variant is uncertain due to the absence of conclusive functional and genetic evidence.

NM_001100.4(ACTA1):c.457A>C (p.Ile153Leu)

Gene: ACTA1 (actin alpha 1, skeletal muscle; minus strand). Cytogenetic location: 1q42.13.
Variant type: single nucleotide variant.
Coding change: c.457A>C on transcript NM_001100.4 (MANE Select); coding-DNA position 457, A replaced by C.
Protein change: p.Ile153Leu; replaces isoleucine 153 with leucine.
Molecular consequence: missense variant.
Genome position (GRCh38, 1-based): chr1:229,432,429, T>G on the plus strand (A>C on the coding strand, the complement: ACTA1 is on the minus strand). VCF-style: chr1-229432429-T-G. GRCh37 (hg19) VCF-style: chr1-229568176-T-G.
Other names: short protein forms I153L.
Identifiers: ClinVar variation 3049360 (VCV003049360.2), dbSNP rs1659965942, ClinGen allele CA345148957.